The following is an entry in ClinVar:

ClinVar aggregate classification (germline): Pathogenic/Likely pathogenic. Review status: criteria provided, multiple submitters, no conflicts (2 of 4 stars). 2 submissions from 2 submitters: Pathogenic (1); Likely pathogenic (1). Last evaluated 2025-03-18.

Submissions (2):

GeneDx
Classification: Likely pathogenic. Last evaluated: 2025-03-18. Review status: criteria provided, single submitter. Criteria: GeneDx Variant Classification Process June 2021. Collection method: clinical testing. Allele origin: germline. Affected: yes.
Comment: Frameshift variant predicted to result in protein truncation or nonsense mediated decay in a gene for which loss of function is a known mechanism of disease; Reported previously in an unaffected carrier; however, no further information was provided (PMID: 31964843); Not observed at significant frequency in large population cohorts (gnomAD); This variant is associated with the following publications: (PMID: 31964843)

Labcorp Genetics (formerly Invitae), Labcorp
Classification: Pathogenic. Last evaluated: 2023-07-28. Review status: criteria provided, single submitter. Criteria: Invitae Variant Classification Sherloc (09022015). Collection method: clinical testing. Allele origin: germline.
Comment: For these reasons, this variant has been classified as Pathogenic. This variant has not been reported in the literature in individuals affected with USH2A-related conditions. This variant is present in population databases (no rsID available, gnomAD 0.06%). This sequence change creates a premature translational stop signal (p.Gly2607Aspfs*34) in the USH2A gene. It is expected to result in an absent or disrupted protein product. Loss-of-function variants in USH2A are known to be pathogenic (PMID: 10729113, 10909849, 20507924, 25649381).

Literature cited by the submitters: PubMed 10729113 (cited by Labcorp Genetics (formerly Invitae), Labcorp); PubMed 10909849 (cited by Labcorp Genetics (formerly Invitae), Labcorp); PubMed 20507924 (cited by Labcorp Genetics (formerly Invitae), Labcorp); PubMed 25649381 (cited by Labcorp Genetics (formerly Invitae), Labcorp).

NM_206933.4(USH2A):c.7818del (p.Gly2607fs)

Gene: USH2A (usherin; minus strand). Cytogenetic location: 1q41.
Variant type: Deletion.
Coding change: c.7818del on transcript NM_206933.4 (MANE Select); coding-DNA position 7818, one base deleted (A; older notation c.7818delA).
Protein change: p.Gly2607fs; shifts the reading frame from glycine 2607.
Molecular consequence: frameshift variant.
Genome position (GRCh38, 1-based): chr1:215,888,831, T deleted on the plus strand (A on the coding strand, the reverse complement: USH2A is on the minus strand); the first of 4 consecutive T bases (chr1:215,888,831-215,888,834); deleting any one gives the same sequence. VCF-style (leftmost placement, unchanged base first): chr1-215888830-CT-C. GRCh37 (hg19) VCF-style: chr1-216062172-CT-C.
Other names: c.7818del (NM_206933.2); short protein forms G2607fs.
Identifiers: ClinVar variation 2795548 (VCV002795548.4), dbSNP rs1196636083, ClinGen allele CA529002455.